The following is an entry in ClinVar:

NM_001360016.2(G6PD):c.73G>A (p.Ala25Thr)

Genes: G6PD (glucose-6-phosphate dehydrogenase; minus strand), IKBKG (inhibitor of nuclear factor kappa B kinase regulatory subunit gamma; plus strand). Cytogenetic location: Xq28.
Variant type: single nucleotide variant.
Coding change: c.73G>A on transcript NM_001360016.2 (MANE Select); coding-DNA position 73, G replaced by A.
Protein change: p.Ala25Thr; replaces alanine 25 with threonine.
Molecular consequence: missense variant. On other transcripts: intron variant (4).
Genome position (GRCh38, 1-based): chrX:154,546,083, C>T on the plus strand (G>A on the coding strand, the complement: G6PD is on the minus strand). VCF-style: chrX-154546083-C-T. GRCh37 (hg19) VCF-style: chrX-153774298-C-T.
Other names: c.163G>A, p.Ala55Thr (NM_000402.4); c.73G>A, p.Ala25Thr (NM_001042351.3); c.-16+4692C>T (NM_001377312.1, NM_001377313.1); c.189+3631C>T (NM_001099856.6); c.-16+3696C>T (NM_001321396.3); short protein forms A25T, A55T.
Identifiers: ClinVar variation 2915780 (VCV002915780.1), dbSNP rs782195369, ClinGen allele CA337293004.

ClinVar aggregate classification (germline): Uncertain significance (1 of 4 stars; one submission).

Conditions:
Anemia, nonspherocytic hemolytic, due to G6PD deficiency (CNSHA1). Also called: Hemolytic anemia due to G6PD deficiency; Class I glucose-6-phosphate dehydrogenase deficiency; Favism, susceptibility to; ANEMIA, CONGENITAL, NONSPHEROCYTIC HEMOLYTIC, 1. Identifiers: Orphanet 466026, MedGen C2720289, MONDO:0010480, OMIM 300908.

Allele frequency attached by ClinVar (database versions not stated): gnomAD exomes 0.00001.
gnomAD v4.1: 6 of 1,211,773 alleles (0.0005%); highest among the groups gnomAD compares: Non-Finnish European, 0.00067%; no homozygotes.

Submission:

Labcorp Genetics (formerly Invitae), Labcorp
Classification: Uncertain significance for Anemia, nonspherocytic hemolytic, due to G6PD deficiency. Last evaluated: 2023-10-12. Review status: criteria provided, single submitter. Criteria: Invitae Variant Classification Sherloc (09022015). Collection method: clinical testing. Allele origin: germline.
Comment: This sequence change replaces alanine, which is neutral and non-polar, with threonine, which is neutral and polar, at codon 25 of the G6PD protein (p.Ala25Thr). This variant is not present in population databases (gnomAD no frequency). This variant has not been reported in the literature in individuals affected with G6PD-related conditions. Algorithms developed to predict the effect of missense changes on protein structure and function output the following: SIFT: "Not Available"; PolyPhen-2: "Benign"; Align-GVGD: "Not Available". The threonine amino acid residue is found in multiple mammalian species, which suggests that this missense change does not adversely affect protein function. In summary, the available evidence is currently insufficient to determine the role of this variant in disease. Therefore, it has been classified as a Variant of Uncertain Significance.